The following is an entry in ClinVar:

NM_144670.6(A2ML1):c.1738C>T (p.Gln580Ter)

Gene: A2ML1 (alpha-2-macroglobulin like 1; plus strand). Cytogenetic location: 12p13.31.
Variant type: single nucleotide variant.
Coding change: c.1738C>T on transcript NM_144670.6 (MANE Select); coding-DNA position 1738, C replaced by T.
Protein change: p.Gln580Ter; replaces glutamine 580 with a stop codon.
Molecular consequence: nonsense.
Genome position (GRCh38, 1-based): chr12:8,847,603, C>T. VCF-style: chr12-8847603-C-T. GRCh37 (hg19) VCF-style: chr12-9000199-C-T.
Other names: c.265C>T, p.Gln89Ter (NM_001282424.3); short protein forms Q580*, Q89*.
Identifiers: ClinVar variation 1026355 (VCV001026355.7), dbSNP rs1943737106, ClinGen allele CA383829453.

ClinVar aggregate classification (germline): Uncertain significance (1 of 4 stars; one submission).

Submission:

Labcorp Genetics (formerly Invitae), Labcorp
Classification: Uncertain significance. Last evaluated: 2025-04-06. Review status: criteria provided, single submitter. Criteria: Invitae Variant Classification Sherloc (09022015). Collection method: clinical testing. Allele origin: germline.
Comment: This sequence change creates a premature translational stop signal (p.Gln580*) in the A2ML1 gene. It is expected to result in an absent or disrupted protein product. However, the current clinical and genetic evidence is not sufficient to establish whether loss-of-function variants in A2ML1 cause disease. This variant is not present in population databases (gnomAD no frequency). This variant has not been reported in the literature in individuals affected with A2ML1-related conditions. ClinVar contains an entry for this variant (Variation ID: 1026355). In summary, the available evidence is currently insufficient to determine the role of this variant in disease. Therefore, it has been classified as a Variant of Uncertain Significance.